The following is an entry in ClinVar:

ClinVar aggregate classification (germline): Uncertain significance. Review status: criteria provided, multiple submitters, no conflicts (2 of 4 stars). 2 submissions from 2 submitters: Uncertain significance (2). Last evaluated 2024-08-02.

Conditions:
Inborn genetic diseases. Identifiers: MedGen C0950123, MeSH D030342.
Cowden syndrome (CS). Also called: Cowden's disease; Cowden's syndrome; Cowden disease. Identifiers: Orphanet 201, MedGen C0018553, MONDO:0016063. Disease mechanism: gain of function.

Submissions (2):

Ambry Genetics
Classification: Uncertain significance for Inborn genetic diseases. Last evaluated: 2024-08-02. Review status: criteria provided, single submitter. Criteria: Ambry Variant Classification Scheme 2023. Collection method: clinical testing. Allele origin: germline.
Comment: The p.S509T variant (also known as c.1525T>A), located in coding exon 8 of the PIK3CA gene, results from a T to A substitution at nucleotide position 1525. The serine at codon 509 is replaced by threonine, an amino acid with similar properties. This amino acid position is conserved. In addition, this alteration is predicted to be tolerated by in silico analysis. Based on the available evidence, the clinical significance of this variant remains unclear.

Labcorp Genetics (formerly Invitae), Labcorp
Classification: Uncertain significance for Cowden syndrome. Last evaluated: 2021-06-10. Review status: criteria provided, single submitter. Criteria: Invitae Variant Classification Sherloc (09022015). Collection method: clinical testing. Allele origin: germline.
Comment: This variant has not been reported in the literature in individuals with PIK3CA-related conditions. This variant is not present in population databases (ExAC no frequency). This sequence change replaces serine with threonine at codon 509 of the PIK3CA protein (p.Ser509Thr). The serine residue is moderately conserved and there is a small physicochemical difference between serine and threonine. Advanced modeling of protein sequence and biophysical properties (such as structural, functional, and spatial information, amino acid conservation, physicochemical variation, residue mobility, and thermodynamic stability) performed at Invitae indicates that this missense variant is not expected to disrupt PIK3CA protein function. In summary, the available evidence is currently insufficient to determine the role of this variant in disease. Therefore, it has been classified as a Variant of Uncertain Significance.

NM_006218.4(PIK3CA):c.1525T>A (p.Ser509Thr)

Gene: PIK3CA (phosphatidylinositol-4,5-bisphosphate 3-kinase catalytic subunit alpha; plus strand). Cytogenetic location: 3q26.32.
Variant type: single nucleotide variant.
Coding change: c.1525T>A on transcript NM_006218.4 (MANE Select); coding-DNA position 1525, T replaced by A.
Protein change: p.Ser509Thr; replaces serine 509 with threonine.
Molecular consequence: missense variant.
Genome position (GRCh38, 1-based): chr3:179,210,551, T>A. VCF-style: chr3-179210551-T-A. GRCh37 (hg19) VCF-style: chr3-178928339-T-A.
Other names: c.1525T>A (NM_006218.2); short protein forms S509T.
Identifiers: ClinVar variation 1360248 (VCV001360248.9), dbSNP rs2108401708, ClinGen allele CA355262831.